The following is an entry in ClinVar:

ClinVar aggregate classification (germline): Uncertain significance (1 of 4 stars; one submission).

Allele frequency attached by ClinVar (database versions not stated): gnomAD exomes below 0.00001.
gnomAD v4.1: 2 of 1,614,034 alleles (0.00012%); highest among the groups gnomAD compares: Non-Finnish European, 0.00017%; no homozygotes.

Submission:

GeneDx
Classification: Uncertain significance. Last evaluated: 2022-09-20. Review status: criteria provided, single submitter. Criteria: GeneDx Variant Classification Process June 2021. Collection method: clinical testing. Allele origin: germline. Affected: yes.
Comment: Not observed at significant frequency in large population cohorts (gnomAD); In silico analysis supports that this missense variant has a deleterious effect on protein structure/function; Has not been previously published as pathogenic or benign to our knowledge

NM_213594.3(RFX4):c.254A>G (p.His85Arg)

Genes: RFX4 (regulatory factor X4; plus strand), LOC100287944 (uncharacterized LOC100287944; minus strand). Cytogenetic location: 12q23.3.
Variant type: single nucleotide variant.
Coding change: c.254A>G on transcript NM_213594.3 (MANE Select); coding-DNA position 254, A replaced by G.
Protein change: p.His85Arg; replaces histidine 85 with arginine.
Molecular consequence: missense variant.
Genome position (GRCh38, 1-based): chr12:106,654,290, A>G. VCF-style: chr12-106654290-A-G. GRCh37 (hg19) VCF-style: chr12-107048068-A-G.
Other names: c.281A>G, p.His94Arg (NM_001206691.2); short protein forms H85R, H94R.
Identifiers: ClinVar variation 2444655 (VCV002444655.1), dbSNP rs1344857675, ClinGen allele CA386388008.